The following is an entry in ClinVar:

NM_006397.3(RNASEH2A):c.125delinsCTAG (p.Leu42delinsProArg)

Genes: RNASEH2A (ribonuclease H2 subunit A; plus strand), LOC117038795 (CRISPRi-FlowFISH-validated PRDX2 regulatory element 4; plus strand). Cytogenetic location: 19p13.13.
Variant type: Indel.
Coding change: c.125delinsCTAG on transcript NM_006397.3 (MANE Select); coding-DNA position 125, T replaced by CTAG.
Protein change: p.Leu42delinsProArg.
Molecular consequence: inframe indel.
Genome position (GRCh38, 1-based): chr19:12,806,798, T replaced by CTAG. VCF-style: chr19-12806798-T-CTAG. GRCh37 (hg19) VCF-style: chr19-12917612-T-CTAG.
Identifiers: ClinVar variation 964856 (VCV000964856.5), dbSNP rs1792077195, ClinGen allele CA1139666298.

ClinVar aggregate classification (germline): Uncertain significance (1 of 4 stars; one submission).

Conditions:
Aicardi-Goutieres syndrome 4. Identifiers: Orphanet 51, MedGen C1835912, MONDO:0012472, OMIM 610333.

Submission:

Labcorp Genetics (formerly Invitae), Labcorp
Classification: Uncertain significance for Aicardi-Goutieres syndrome 4. Last evaluated: 2025-02-17. Review status: criteria provided, single submitter. Criteria: Invitae Variant Classification Sherloc (09022015). Collection method: clinical testing. Allele origin: germline.
Comment: This variant, c.125delinsCTAG, is a complex sequence change that results in the insertion of 2 amino acid(s) in the RNASEH2A protein (p.Leu42delinsProArg). Information on the frequency of this variant in the gnomAD database is not available, as this variant may be reported differently in the database. This variant has not been reported in the literature in individuals affected with RNASEH2A-related conditions. Experimental studies and prediction algorithms are not available or were not evaluated, and the functional significance of this variant is currently unknown. In summary, the available evidence is currently insufficient to determine the role of this variant in disease. Therefore, it has been classified as a Variant of Uncertain Significance.